The following is an entry in ClinVar:

ClinVar aggregate classification (germline): Uncertain significance. Review status: criteria provided, multiple submitters, no conflicts (2 of 4 stars). 2 submissions from 2 submitters: Uncertain significance (2). Last evaluated 2021-09-01.

Conditions:
Autosomal recessive limb-girdle muscular dystrophy type R18 (LGMDR18). Also called: Autosomal recessive limb-girdle muscular dystrophy type 2S; Limb-girdle muscular dystrophy, type 2S; MUSCULAR DYSTROPHY, LIMB-GIRDLE, AUTOSOMAL RECESSIVE 18. Identifiers: Orphanet 369840, MedGen C4517996, MONDO:0014144, OMIM 615356.

Allele frequency attached by ClinVar (database versions not stated): gnomAD exomes below 0.00001.
gnomAD v4.1: 1 of 1,519,652 alleles (0.000066%); highest among the groups gnomAD compares: African/African-American, 0.0014%; no homozygotes.

Submissions (2):

Labcorp Genetics (formerly Invitae), Labcorp
Classification: Uncertain significance for Autosomal recessive limb-girdle muscular dystrophy type R18. Last evaluated: 2021-09-01. Review status: criteria provided, single submitter. Criteria: Invitae Variant Classification Sherloc (09022015). Collection method: clinical testing. Allele origin: germline.
Comment: This sequence change replaces valine with leucine at codon 672 of the TRAPPC11 protein (p.Val672Leu). The valine residue is highly conserved and there is a small physicochemical difference between valine and leucine. This variant is not present in population databases (ExAC no frequency). This variant has not been reported in the literature in individuals affected with TRAPPC11-related conditions. Algorithms developed to predict the effect of missense changes on protein structure and function (SIFT, PolyPhen-2, Align-GVGD) all suggest that this variant is likely to be tolerated. In summary, the available evidence is currently insufficient to determine the role of this variant in disease. Therefore, it has been classified as a Variant of Uncertain Significance.

Revvity Omics, Revvity
Classification: Uncertain significance for Autosomal recessive limb-girdle muscular dystrophy type R18. Last evaluated: 2019-12-24. Review status: criteria provided, single submitter. Criteria: ACMG Guidelines, 2015. Collection method: clinical testing. Allele origin: germline.

NM_021942.6(TRAPPC11):c.2014G>C (p.Val672Leu)

Gene: TRAPPC11 (trafficking protein particle complex subunit 11; plus strand). Cytogenetic location: 4q35.1.
Variant type: single nucleotide variant.
Coding change: c.2014G>C on transcript NM_021942.6 (MANE Select); coding-DNA position 2014, G replaced by C.
Protein change: p.Val672Leu; replaces valine 672 with leucine.
Molecular consequence: missense variant.
Genome position (GRCh38, 1-based): chr4:183,691,436, G>C. VCF-style: chr4-183691436-G-C. GRCh37 (hg19) VCF-style: chr4-184612589-G-C.
Other names: c.2014G>C, p.Val672Leu (NM_199053.3); short protein forms V672L.
Identifiers: ClinVar variation 657656 (VCV000657656.8), dbSNP rs1415116624, ClinGen allele CA358870634.